The following is an entry in ClinVar:

ClinVar aggregate classification (germline): Pathogenic (1 of 4 stars; one submission).

Conditions:
Asphyxiating thoracic dystrophy 3. Also called: SHORT-RIB THORACIC DYSPLASIA 3 WITH OR WITHOUT POLYDACTYLY; POLYDACTYLY WITH NEONATAL CHONDRODYSTROPHY, TYPE I; SHORT-RIB THORACIC DYSPLASIA 3/6 WITH POLYDACTYLY, DIGENIC; Short rib polydactyly syndrome 2B; Saldino-Noonan Syndrome. Identifiers: Orphanet 474, Orphanet 93269, Orphanet 93270, Orphanet 93271, MedGen C0036069, MONDO:0013127, OMIM 613091.

gnomAD v4.1: 1 of 1,594,618 alleles (0.000063%); highest among the groups gnomAD compares: Non-Finnish European, 0.000085%; no homozygotes.

Submission:

Myriad Genetics, Inc.
Classification: Pathogenic for Asphyxiating thoracic dystrophy 3. Last evaluated: 2025-11-13. Review status: criteria provided, single submitter. Criteria: Myriad Autosomal Dominant, Autosomal Recessive and X-Linked Classification Criteria (2023). Collection method: clinical testing. Allele origin: unknown.
Comment: NM_001377.2(DYNC2H1):c.3094C>T(Q1032*) is expected to be pathogenic in the context of DYNC2H1-related disorders. This variant is predicted to lead to an abnormal or absent protein product due to the creation of a premature termination codon in DYNC2H1, a gene where loss-of-function variants are known to be pathogenic. Please note: this variant was assessed in the context of healthy population screening.

NM_001377.3(DYNC2H1):c.3094C>T (p.Gln1032Ter)

Gene: DYNC2H1 (dynein cytoplasmic 2 heavy chain 1; plus strand). Cytogenetic location: 11q22.3.
Variant type: single nucleotide variant.
Coding change: c.3094C>T on transcript NM_001377.3 (MANE Select); coding-DNA position 3094, C replaced by T.
Protein change: p.Gln1032Ter; replaces glutamine 1032 with a stop codon.
Molecular consequence: nonsense.
Genome position (GRCh38, 1-based): chr11:103,152,283, C>T. VCF-style: chr11-103152283-C-T. GRCh37 (hg19) VCF-style: chr11-103023012-C-T.
Other names: c.3094C>T, p.Gln1032Ter (NM_001080463.2); short protein forms Q1032*.
Identifiers: ClinVar variation 5015211 (VCV005015211.1).
Genomic context (GRCh38, chr11:103,152,283, plus strand): 5'-AAAGCCAAGTGGGATAAATTTGAGTTAATGATGGAAAGTCACCAACTTATGATTAAAGAC[C>T]AGGTTAGAATCTTTTAATTATTTATTAAAATGGGAACTTTTTTCTTACTTAAGATTTCTT-3'